The following is an entry in ClinVar:

NM_004304.5(ALK):c.4075T>A (p.Tyr1359Asn)

Gene: ALK (ALK receptor tyrosine kinase; minus strand). Cytogenetic location: 2p23.2.
Variant type: single nucleotide variant.
Coding change: c.4075T>A on transcript NM_004304.5 (MANE Select); coding-DNA position 4075, T replaced by A.
Protein change: p.Tyr1359Asn; replaces tyrosine 1359 with asparagine.
Molecular consequence: missense variant.
Genome position (GRCh38, 1-based): chr2:29,196,859, A>T on the plus strand (T>A on the coding strand, the complement: ALK is on the minus strand). VCF-style: chr2-29196859-A-T. GRCh37 (hg19) VCF-style: chr2-29419725-A-T.
Other names: c.871T>A, p.Tyr291Asn (NM_001353765.2); short protein forms Y1359N, Y291N.
Identifiers: ClinVar variation 4544345 (VCV004544345.1).

ClinVar aggregate classification (germline): Uncertain significance (1 of 4 stars; one submission).

Conditions:
Hereditary cancer-predisposing syndrome. Also called: Tumor predisposition; Hereditary Cancer Syndrome; Hereditary neoplastic syndrome; Neoplastic Syndromes, Hereditary. Identifiers: Orphanet 140162, MedGen C0027672, MeSH D009386, MONDO:0015356.

Submission:

Ambry Genetics
Classification: Uncertain significance for Hereditary cancer-predisposing syndrome. Last evaluated: 2025-12-12. Review status: criteria provided, single submitter. Criteria: Ambry Variant Classification Scheme 2023. Collection method: clinical testing. Allele origin: germline.
Comment: The p.Y1359N variant (also known as c.4075T>A), located in coding exon 28 of the ALK gene, results from a T to A substitution at nucleotide position 4075. The tyrosine at codon 1359 is replaced by asparagine, an amino acid with dissimilar properties. This amino acid position is conserved. In addition, this alteration is predicted to be deleterious by in silico analysis. Based on the available evidence, the clinical significance of this variant remains unclear.